The following is an entry in ClinVar:

ClinVar aggregate classification (germline): Uncertain significance. Review status: criteria provided, multiple submitters, no conflicts (2 of 4 stars). 3 submissions from 3 submitters: Uncertain significance (3). Last evaluated 2026-03-10.

Conditions:
SERPINB6-related disorder. Also called: SERPINB6-related condition.

gnomAD v4.1: 24 of 1,613,804 alleles (0.0015%); highest among the groups gnomAD compares: Admixed American, 0.013%; no homozygotes.

Submissions (3):

PreventionGenetics, part of Exact Sciences
Classification: Uncertain significance for SERPINB6-related condition. Last evaluated: 2026-03-10. Review status: criteria provided, single submitter. Criteria: ACMG Guidelines, 2015. Collection method: clinical testing. Allele origin: germline.
Comment: The SERPINB6 c.1114C>T variant is predicted to result in the amino acid substitution p.Arg372Cys. To our knowledge, this variant has not been reported in the literature. This variant is reported in 0.020% of alleles in individuals of Latino descent in gnomAD. At this time, the clinical significance of this variant is uncertain due to the absence of conclusive functional and genetic evidence.

GeneDx
Classification: Uncertain significance. Last evaluated: 2025-03-03. Review status: criteria provided, single submitter. Criteria: GeneDx Variant Classification Process June 2021. Collection method: clinical testing. Allele origin: germline.
Comment: In silico analysis supports that this missense variant has a deleterious effect on protein structure/function; Has not been previously published as pathogenic or benign to our knowledge

Blueprint Genetics
Classification: Uncertain significance. Last evaluated: 2020-04-03. Review status: criteria provided, single submitter. Criteria: ACMG Guidelines, 2015. Collection method: clinical testing. Allele origin: germline.

NM_004568.6(SERPINB6):c.1114C>T (p.Arg372Cys)

Gene: SERPINB6 (serpin family B member 6; minus strand). Cytogenetic location: 6p25.2.
Variant type: single nucleotide variant.
Coding change: c.1114C>T on transcript NM_004568.6 (MANE Select); coding-DNA position 1114, C replaced by T.
Protein change: p.Arg372Cys; replaces arginine 372 with cysteine.
Molecular consequence: missense variant. On other transcripts: non-coding transcript variant (1).
Genome position (GRCh38, 1-based): chr6:2,948,315, G>A on the plus strand (C>T on the coding strand, the complement: SERPINB6 is on the minus strand). VCF-style: chr6-2948315-G-A. GRCh37 (hg19) VCF-style: chr6-2948549-G-A.
Other names: c.1126C>T, p.Arg376Cys (NM_001195291.3, NM_001374515.1); c.1156C>T, p.Arg386Cys (NM_001271822.2); c.1171C>T, p.Arg391Cys (NM_001271823.2); c.1114C>T, p.Arg372Cys (NM_001271824.2, NM_001271825.2, NM_001297699.2 and 2 more transcripts); c.982C>T, p.Arg328Cys (NM_001374517.1); short protein forms R391C, R372C, R376C, R328C, R386C.
Identifiers: ClinVar variation 3572487 (VCV003572487.4).